The following is an entry in ClinVar:

NM_007272.3(CTRC):c.533A>G (p.Gln178Arg)

Gene: CTRC (chymotrypsin C; plus strand). Cytogenetic location: 1p36.21.
Variant type: single nucleotide variant.
Coding change: c.533A>G on transcript NM_007272.3 (MANE Select); coding-DNA position 533, A replaced by G.
Protein change: p.Gln178Arg; replaces glutamine 178 with arginine.
Molecular consequence: missense variant.
Genome position (GRCh38, 1-based): chr1:15,444,645, A>G. VCF-style: chr1-15444645-A-G. GRCh37 (hg19) VCF-style: chr1-15771140-A-G.
Other names: short protein forms Q178R.
Identifiers: ClinVar variation 240765 (VCV000240765.33), dbSNP rs200678111, ClinGen allele CA613375.
Genomic context (GRCh38, chr1:15,444,645, plus strand): 5'-CACTGCTCACTCTCTCCCCAGCCAACGGCCCCATTGCTGATAAGCTGCAGCAGGGCCTGC[A>G]GCCCGTGGTGGATCACGCCACGTGCTCCAGGATTGACTGGTGGGGCTTCAGGGTGAAGAA-3'
Protein context (NP_009203.2, residues 168-188): PIADKLQQGL[Gln178Arg]PVVDHATCSR

ClinVar aggregate classification (germline): Conflicting classifications of pathogenicity. Review status: criteria provided, conflicting classifications (1 of 4 stars). 7 submissions from 7 submitters: Uncertain significance (6); Benign (1). Last evaluated 2026-01-19.

Conditions:
CTRC-related disorder. Also called: CTRC-related condition.
Hereditary pancreatitis (PCTT). Also called: PRSS1-Related Hereditary Pancreatitis; Hereditary chronic pancreatitis. Identifiers: Orphanet 676, MedGen C0238339, MONDO:0008185, OMIM 167800.

Allele frequency attached by ClinVar (database versions not stated): gnomAD 0.00009; 1000 Genomes Project 30x 0.00016; 1000 Genomes Project 0.00020; TOPMed 0.00028; gnomAD exomes 0.00035 and 0.00078; ExAC 0.00077.

Submissions (7):

PreventionGenetics, part of Exact Sciences
Classification: Uncertain significance for CTRC-related condition. Last evaluated: 2026-01-19. Review status: criteria provided, single submitter. Criteria: ACMG Guidelines, 2015. Collection method: clinical testing. Allele origin: germline.
Comment: The CTRC c.533A>G variant is predicted to result in the amino acid substitution p.Gln178Arg. This variant has been reported in multiple individuals with acute recurrent or chronic pancreatitis and functional studies suggested that this variant results in reduced enzyme activity (Beer et al. 2012. PubMed ID: 22942235; Giefer et al. 2017. PubMed ID: 28502372). However, this variant is also reported in 0.55% of alleles in individuals of Latino descent in gnomAD, including two homozygotes. Although we suspect that this variant may be benign, at this time, the clinical significance of this variant is uncertain due to the absence of conclusive functional and genetic evidence.

Labcorp Genetics (formerly Invitae), Labcorp
Classification: Benign for Hereditary pancreatitis. Last evaluated: 2025-11-16. Review status: criteria provided, single submitter. Criteria: Invitae Variant Classification Sherloc (09022015). Collection method: clinical testing. Allele origin: germline.

Ambry Genetics
Classification: Uncertain significance for Hereditary pancreatitis. Last evaluated: 2025-10-29. Review status: criteria provided, single submitter. Criteria: Ambry Variant Classification Scheme 2023. Collection method: clinical testing. Allele origin: germline.
Comment: The p.Q178R variant (also known as c.533A>G), located in coding exon 6 of the CTRC gene, results from an A to G substitution at nucleotide position 533. The glutamine at codon 178 is replaced by arginine, an amino acid with highly similar properties. This variant has been identified in multiple individuals with acute recurrent or chronic pancreatitis (Beer S et al. Gut, 2013 Nov;62:1616-24; Giefer MJ et al. J. Pediatr., 2017 Jul;186:95-100); in vitro studies showed that the catalytic efficiency of this variant was significantly reduced from wild type (Beer S et al. Gut, 2013 Nov;62:1616-24). This amino acid position is not well conserved in available vertebrate species. In addition, the in silico prediction for this alteration is inconclusive. Based on the available evidence, the clinical significance of this variant remains unclear.

ARUP Laboratories, Molecular Genetics and Genomics, ARUP Laboratories
Classification: Uncertain significance for Hereditary pancreatitis. Last evaluated: 2025-06-23. Review status: criteria provided, single submitter. Criteria: ARUP Molecular Germline Variant Investigation Process 2024. Collection method: clinical testing. Allele origin: germline.
Comment: The CTRC c.533A>G; p.Gln178Arg variant (rs200678111) is reported in patients with chronic pancreatitis (Beer 2013, Giefer 2017). However, it has also been found with two mild CFTR pathogenic variants in a pancreatitis patient tested at ARUP Laboratories, and is classified as benign and uncertain in the ClinVar database (Variation ID: 240765). Functional characterizations indicate that the p.Gln178Arg variant has reduced catalytic activity (Beer 2013). This variant is found in the general population with an overall allele frequency of 0.07% (202/282,802 alleles) in the Genome Aggregation Database (v2.1.1), with an increased frequency of 0.55% in the Admixed American population. Computational analyses are uncertain whether this variant is neutral or deleterious (REVEL: 0.423). Due to the conflicting information regarding this variant, its clinical significance is uncertain at this time. References: Beer S et al. Comprehensive functional analysis of chymotrypsin C (CTRC) variants reveals distinct loss-of-function mechanisms associated with pancreatitis risk. Gut. 2013 62(11):1616-24. PMID: 22942235. Giefer MJ et al. Early-Onset Acute Recurrent and Chronic Pancreatitis Is Associated with PRSS1 or CTRC Gene Mutations. J Pediatr. 2017 Jul;186:95-100. PMID: 28502372.

Blueprint Genetics
Classification: Uncertain significance. Last evaluated: 2023-12-18. Review status: criteria provided, single submitter. Criteria: ACMG Guidelines, 2015. Collection method: clinical testing. Allele origin: germline.

GeneDx
Classification: Uncertain significance. Last evaluated: 2018-04-11. Review status: criteria provided, single submitter. Criteria: GeneDx Variant Classification (06012015). Collection method: clinical testing. Allele origin: germline. Affected: yes.
Comment: This variant is denoted CTRC c.533A>G at the cDNA level, p.Gln178Arg (Q178R) at the protein level, and results in the change of a Glutamine to an Arginine (CAG>CGG). This variant has been observed in multiple individuals with acute recurrent or chronic pancreatitis (Beer 2013, Giefer 2017). Functional studies have demonstrated that CTRC Gln178Arg is associated with a significant reduction in CTRC catalytic activity (Beer 2013). CTRC Gln178Arg was observed at an allele frequency of 0.57% (192/34420) in individuals of Latino ancestry in large population cohorts (Lek 2016). This variant is located within the Peptidase S1 domain (UniProt). In silico analysis, which includes protein predictors and evolutionary conservation, supports that this variant does not alter protein structure/function. Based on currently available evidence, it is unclear whether CTRC Gln178Arg is a pathogenic or benign variant. We consider it to be a variant of uncertain significance.

Center for Human Genetics, Inc
Classification: Uncertain significance for Hereditary pancreatitis. Last evaluated: 2016-11-01. Review status: criteria provided, single submitter. Criteria: ACMG Guidelines, 2015. Collection method: clinical testing. Allele origin: germline. Affected: yes.

Literature cited by the submitters: PubMed 22942235 (cited by Ambry Genetics); PubMed 28502372 (cited by Ambry Genetics).